The following is an entry in ClinVar:

NM_000059.4(BRCA2):c.9883C>T (p.Gln3295Ter)

Gene: BRCA2 (BRCA2 DNA repair associated; plus strand). Cytogenetic location: 13q13.1.
Variant type: single nucleotide variant.
Coding change: c.9883C>T on transcript NM_000059.4 (MANE Select); coding-DNA position 9883, C replaced by T.
Protein change: p.Gln3295Ter; replaces glutamine 3295 with a stop codon.
Molecular consequence: nonsense.
Genome position (GRCh38, 1-based): chr13:32,398,396, C>T. VCF-style: chr13-32398396-C-T. GRCh37 (hg19) VCF-style: chr13-32972533-C-T.
Other names: short protein forms Q3295*.
Identifiers: ClinVar variation 52911 (VCV000052911.21), dbSNP rs80359247, ClinGen allele CA026321.

ClinVar aggregate classification (germline): Pathogenic. Review status: reviewed by expert panel (3 of 4 stars). 12 submissions from 12 submitters: Pathogenic (1). 11 of the submissions do not count toward it. Last evaluated 2016-09-08.

Conditions:
BRCA2-related disorder. Also called: BRCA2-related condition; BRCA2-related disorders. Identifiers: MedGen CN239275.
Hereditary cancer-predisposing syndrome. Also called: Tumor predisposition; Neoplastic Syndromes, Hereditary; Hereditary neoplastic syndrome; Hereditary Cancer Syndrome. Identifiers: Orphanet 140162, MedGen C0027672, MeSH D009386, MONDO:0015356.
Hereditary breast ovarian cancer syndrome. Also called: Hereditary breast and ovarian cancer; BRCA1- and BRCA2-Associated Hereditary Breast and Ovarian Cancer; Hereditary breast and/or ovarian cancer syndrome; Hereditary breast and ovarian cancer syndrome; Breast and ovarian cancer; Hereditary breast and ovarian cancer syndrome (HBOC). Identifiers: Orphanet 145, MedGen C0677776, MeSH D061325, MONDO:0003582. Disease mechanism: loss of function.
Malignant tumor of urinary bladder. Also called: Urinary Bladder Neoplasms; Urinary bladder cancer; Bladder cancer. Identifiers: MedGen C0005684, MONDO:0001187, OMIM 109800.
Breast-ovarian cancer, familial, susceptibility to, 2 (BROVCA2). Also called: BRCA2 Hereditary Breast and Ovarian Cancer. Identifiers: Orphanet 145, MedGen C2675520, MONDO:0012933, OMIM 612555. Disease mechanism: loss of function.
Familial cancer of breast. Also called: BREAST CANCER, FAMILIAL; hereditary breast carcinoma; Hereditary breast cancer. Identifiers: Orphanet 227535, MedGen C0346153, MONDO:0016419, OMIM 114480. Disease mechanism: loss of function.

Submissions (12):

Evidence-based Network for the Interpretation of Germline Mutant Alleles (ENIGMA)
Classification: Pathogenic for Breast-ovarian cancer, familial, susceptibility to, 2. Last evaluated: 2016-09-08. Review status: reviewed by expert panel. Criteria: ENIGMA BRCA1/2 Classification Criteria (2015). Collection method: curation. Allele origin: germline.
Comment: Variant allele predicted to encode a truncated non-functional protein.

Women's Health and Genetics/Laboratory Corporation of America, LabCorp
Classification: Pathogenic for Hereditary breast ovarian cancer syndrome. Last evaluated: 2025-04-14. Review status: criteria provided, single submitter. Criteria: LabCorp Variant Classification Summary - May 2015. Collection method: clinical testing. Allele origin: germline. Not counted in ClinVar's aggregate classification.
Comment: Variant summary: BRCA2 c.9883C>T (p.Gln3295X) results in a premature termination codon, predicted to cause a truncation of the encoded protein. The variant was absent in 251208 control chromosomes. c.9883C>T has been observed in individual(s) affected with Hereditary Breast And Ovarian Cancer Syndrome (example: Rebbeck_2018, Lecarpentier_2012). These data indicate that the variant is likely to be associated with disease. The following publications have been ascertained in the context of this evaluation (PMID: 22762150, 29446198). ClinVar contains an entry for this variant (Variation ID: 52911). Based on the evidence outlined above, the variant was classified as pathogenic.

Labcorp Genetics (formerly Invitae), Labcorp
Classification: Pathogenic for Hereditary breast ovarian cancer syndrome. Last evaluated: 2025-04-07. Review status: criteria provided, single submitter. Criteria: Invitae Variant Classification Sherloc (09022015). Collection method: clinical testing. Allele origin: germline. Not counted in ClinVar's aggregate classification.
Comment: This sequence change creates a premature translational stop signal (p.Gln3295*) in the BRCA2 gene. While this is not anticipated to result in nonsense mediated decay, it is expected to disrupt the last 124 amino acid(s) of the BRCA2 protein. This variant is not present in population databases (gnomAD no frequency). This premature translational stop signal has been observed in individual(s) with personal and/or family history of breast or ovarian cancer (PMID: 22762150, 29446198). ClinVar contains an entry for this variant (Variation ID: 52911). This variant disrupts a region of the BRCA2 protein in which other variant(s) (p.Tyr3308*, p.Gln3299*) have been determined to be pathogenic (PMID: 8896551, 18097605, 18593900, 18607349, 20104584; internal data). This suggests that this is a clinically significant region of the protein, and that variants that disrupt it are likely to be disease-causing. For these reasons, this variant has been classified as Pathogenic.

Ambry Genetics
Classification: Pathogenic for Hereditary cancer-predisposing syndrome. Last evaluated: 2025-01-25. Review status: criteria provided, single submitter. Criteria: Ambry Variant Classification Scheme 2023. Collection method: clinical testing. Allele origin: germline. Not counted in ClinVar's aggregate classification.
Comment: The p.Q3295* pathogenic mutation (also known as c.9883C>T), located in coding exon 26 of the BRCA2 gene, results from a C to T substitution at nucleotide position 9883. This changes the amino acid from a glutamine to a stop codon within coding exon 26. This variant is considered to be rare based on population cohorts in the Genome Aggregation Database (gnomAD). This alteration is expected to result in loss of function by premature protein truncation or nonsense-mediated mRNA decay. As such, this alteration is interpreted as a disease-causing mutation.

Baylor Genetics
Classification: Pathogenic for Familial cancer of breast. Last evaluated: 2023-09-21. Review status: criteria provided, single submitter. Criteria: ACMG Guidelines, 2015. Collection method: clinical testing. Allele origin: unknown. Not counted in ClinVar's aggregate classification.

Blueprint Genetics
Classification: Pathogenic for BRCA2-related disorders. Last evaluated: 2022-07-11. Review status: criteria provided, single submitter. Criteria: ACMG Guidelines, 2015. Collection method: clinical testing. Allele origin: germline. Affected: yes. Observed: 2 variant alleles. Not counted in ClinVar's aggregate classification.

GeneKor MSA
Classification: Pathogenic. Last evaluated: 2020-01-01. Review status: criteria provided, single submitter. Criteria: ACMG Guidelines, 2015. Collection method: clinical testing. Allele origin: germline. Not counted in ClinVar's aggregate classification.
Comment: This sequence change creates a premature translational stop signal at codon 3295 of the BRCA2 protein. It is expected to result in an absent or disrupted protein product. Truncating variants in BRCA2 are known to be pathogenic. The mutation database ClinVar contains entries for this variant (Variation ID: 52911).

Color Diagnostics, LLC DBA Color Health
Classification: Likely pathogenic for Hereditary cancer-predisposing syndrome. Last evaluated: 2019-09-11. Review status: criteria provided, single submitter. Criteria: ACMG Guidelines, 2015. Collection method: clinical testing. Allele origin: germline. Not counted in ClinVar's aggregate classification.
Comment: This variant changes 1 nucleotide in exon 27 of the BRCA2 gene, creating a premature translation stop signal in the last coding exon. This variant is also known as 10111C>T and Q3295X in the literature. The mutant transcript is predicted to escape nonsense-mediated decay and be expressed as a truncated protein. This variant is expected to disrupt the RAD51 binding domain that has been reported to be essential for homologous recombination and DNA repair (PMID: 17515903). To our knowledge, functional studies have not been performed for this variant. This variant has been reported in families affected with or at risk for breast and ovarian cancer (PMID: 22762150, 28726806, 29446198). This variant has not been identified in the general population by the Genome Aggregation Database (gnomAD). Based on the available evidence, this variant is classified as Likely Pathogenic.

Consortium of Investigators of Modifiers of BRCA1/2 (CIMBA), c/o University of Cambridge
Classification: Pathogenic for Breast-ovarian cancer, familial, susceptibility to, 2. Last evaluated: 2015-10-02. Review status: criteria provided, single submitter. Criteria: CIMBA Mutation Classification guidelines May 2016. Collection method: clinical testing. Allele origin: germline. Not counted in ClinVar's aggregate classification.

Research Molecular Genetics Laboratory, Women's College Hospital, University of Toronto
Classification: Pathogenic for Hereditary breast ovarian cancer syndrome. Last evaluated: 2014-01-31. Review status: no assertion criteria provided. Collection method: research. Allele origin: germline. Affected: yes. Study: The Canadian Open Genetics Repository (COGR). Not counted in ClinVar's aggregate classification.

Breast Cancer Information Core (BIC) (BRCA2)
Classification: Pathogenic for Breast-ovarian cancer, familial 2. Last evaluated: 2000-07-07. Review status: no assertion criteria provided. Collection method: clinical testing. Allele origin: germline. Affected: yes. Observed: 1 variant allele. Not counted in ClinVar's aggregate classification.

Laboratory of Urology, Hospital Clinic de Barcelona
Classification: Pathogenic for Malignant tumor of urinary bladder. Review status: no assertion criteria provided. Collection method: research. Allele origin: somatic. Affected: yes. Not counted in ClinVar's aggregate classification.

Literature cited by the submitters: PubMed 22762150 (cited by Women's Health and Genetics/Laboratory Corporation of America, LabCorp and Labcorp Genetics (formerly Invitae), Labcorp); PubMed 29446198 (cited by Women's Health and Genetics/Laboratory Corporation of America, LabCorp and Labcorp Genetics (formerly Invitae), Labcorp); PubMed 8896551 (cited by Labcorp Genetics (formerly Invitae), Labcorp); PubMed 18097605 (cited by Labcorp Genetics (formerly Invitae), Labcorp); PubMed 18593900 (cited by Labcorp Genetics (formerly Invitae), Labcorp); PubMed 18607349 (cited by Labcorp Genetics (formerly Invitae), Labcorp); PubMed 20104584 (cited by Labcorp Genetics (formerly Invitae), Labcorp).